The following is an entry in ClinVar:

NM_005026.5(PIK3CD):c.780+6G>T

Gene: PIK3CD (phosphatidylinositol-4,5-bisphosphate 3-kinase catalytic subunit delta; plus strand). Cytogenetic location: 1p36.22.
Variant type: single nucleotide variant.
Coding change: c.780+6G>T on transcript NM_005026.5 (MANE Select); 6 bases into the intron after coding-DNA position 780, G replaced by T.
Molecular consequence: intron variant.
Genome position (GRCh38, 1-based): chr1:9,716,625, G>T. VCF-style: chr1-9716625-G-T. GRCh37 (hg19) VCF-style: chr1-9776683-G-T.
Other names: c.780+6G>T (NM_001350234.2, NM_001350235.1).
Identifiers: ClinVar variation 2965311 (VCV002965311.3), dbSNP rs1052762266, ClinGen allele CA17775600.
Genomic context (GRCh38, chr1:9,716,625, plus strand): 5'-GGTGAACGGCAGGCATGAGTACCTGTATGGCAGCTACCCGCTCTGCCAGTTCCAGGTGAG[G>T]CCGCTGAGGCCCTCTGCACTCTGGGCTCCCAACGCCCTGGATAGGGCCTGGGTGGGAGTC-3'

ClinVar aggregate classification (germline): Uncertain significance (1 of 4 stars; one submission).

Conditions:
Immunodeficiency 14 (IMD14A). Also called: ACTIVATED PI3K-DELTA SYNDROME 1; p110-DELTA-ACTIVATING MUTATION CAUSING SENESCENT T CELLS, LYMPHADENOPATHY, AND IMMUNODEFICIENCY; Activated PI3K Delta Syndrome Type 1 (APDS1); IMMUNODEFICIENCY 14A WITH LYMPHOPROLIFERATION, AUTOSOMAL DOMINANT. Identifiers: Orphanet 397596, Orphanet 693661, MedGen C5907821, MONDO:0014222, OMIM 615513.

Allele frequency attached by ClinVar (database versions not stated): TOPMed below 0.00001; gnomAD 0.00001; gnomAD exomes 0.00002.
gnomAD v4.1: 34 of 1,552,070 alleles (0.0022%); highest among the groups gnomAD compares: Non-Finnish European, 0.0029%; no homozygotes.

Submission:

Labcorp Genetics (formerly Invitae), Labcorp
Classification: Uncertain significance for Activated PI3K-delta syndrome. Last evaluated: 2024-07-10. Review status: criteria provided, single submitter. Criteria: Invitae Variant Classification Sherloc (09022015). Collection method: clinical testing. Allele origin: germline.
Comment: This sequence change falls in intron 6 of the PIK3CD gene. It does not directly change the encoded amino acid sequence of the PIK3CD protein. It affects a nucleotide within the consensus splice site. This variant is present in population databases (no rsID available, gnomAD 0.003%). This variant has not been reported in the literature in individuals affected with PIK3CD-related conditions. Variants that disrupt the consensus splice site are a relatively common cause of aberrant splicing (PMID: 17576681, 9536098). Algorithms developed to predict the effect of sequence changes on RNA splicing suggest that this variant is not likely to affect RNA splicing. In summary, the available evidence is currently insufficient to determine the role of this variant in disease. Therefore, it has been classified as a Variant of Uncertain Significance.

Literature cited by the submitters: PubMed 17576681; PubMed 9536098.